The following is an entry in ClinVar:

NM_001042492.3(NF1):c.3171A>G (p.Ala1057=)

Gene: NF1 (neurofibromin 1; plus strand). Cytogenetic location: 17q11.2.
Variant type: single nucleotide variant.
Coding change: c.3171A>G on transcript NM_001042492.3 (MANE Select); coding-DNA position 3171, A replaced by G.
Protein change: p.Ala1057=; no amino-acid change (alanine 1057 retained).
Molecular consequence: synonymous variant.
Genome position (GRCh38, 1-based): chr17:31,230,899, A>G. VCF-style: chr17-31230899-A-G. GRCh37 (hg19) VCF-style: chr17-29557917-A-G.
Other names: c.3171A>G, p.Ala1057= (NM_000267.4).
Identifiers: ClinVar variation 996456 (VCV000996456.16), dbSNP rs2067102269, ClinGen allele CA499232188.

ClinVar aggregate classification (germline): Conflicting classifications of pathogenicity. Review status: criteria provided, conflicting classifications (1 of 4 stars). 5 submissions from 5 submitters: Uncertain significance (1); Benign (1); Likely benign (3). Last evaluated 2026-05-20.

Conditions:
Cardiovascular phenotype. Identifiers: MedGen CN230736.
Hereditary cancer-predisposing syndrome. Also called: Hereditary Cancer Syndrome; Hereditary neoplastic syndrome; Tumor predisposition; Neoplastic Syndromes, Hereditary. Identifiers: Orphanet 140162, MedGen C0027672, MeSH D009386, MONDO:0015356.
Neurofibromatosis, type 1 (NF1). Also called: Neurofibromatosis, type I; Peripheral type neurofibromatosis; VON RECKLINGHAUSEN DISEASE; NEUROFIBROMATOSIS, TYPE I, SOMATIC. Identifiers: Orphanet 636, MedGen C0027831, MONDO:0018975, OMIM 162200. Disease mechanism: loss of function.

Allele frequency attached by ClinVar (database versions not stated): gnomAD exomes below 0.00001.
gnomAD v4.1: 2 of 1,611,198 alleles (0.00012%); highest among the groups gnomAD compares: Non-Finnish European, 0.00017%; no homozygotes.

Submissions (5):

Myriad Genetics, Inc.
Classification: Benign for Neurofibromatosis, type 1. Last evaluated: 2026-05-20. Review status: criteria provided, single submitter. Criteria: Myriad Autosomal Dominant, Autosomal Recessive and X-Linked Classification Criteria (2023). Collection method: clinical testing. Allele origin: unknown.
Comment: This variant is considered benign. This variant is a silent/synonymous amino acid change and it is not expected to impact splicing.

Labcorp Genetics (formerly Invitae), Labcorp
Classification: Likely benign for Neurofibromatosis, type 1. Last evaluated: 2025-05-05. Review status: criteria provided, single submitter. Criteria: Invitae Variant Classification Sherloc (09022015). Collection method: clinical testing. Allele origin: germline.

Blueprint Genetics
Classification: Likely benign. Last evaluated: 2023-03-31. Review status: criteria provided, single submitter. Criteria: ACMG Guidelines, 2015. Collection method: clinical testing. Allele origin: germline.

Genome Diagnostics Laboratory, The Hospital for Sick Children
Classification: Uncertain significance for Neurofibromatosis, type 1. Last evaluated: 2020-10-26. Review status: criteria provided, single submitter. Criteria: ACMG Guidelines, 2015. Collection method: clinical testing. Allele origin: germline. Affected: yes.

Ambry Genetics
Classification: Likely benign for Cardiovascular phenotype; Hereditary cancer-predisposing syndrome. Last evaluated: 2020-09-10. Review status: criteria provided, single submitter. Criteria: Ambry Variant Classification Scheme 2023. Collection method: clinical testing. Allele origin: germline.